The following is an entry in ClinVar:

NM_000234.3(LIG1):c.884C>T (p.Thr295Met)

Gene: LIG1 (DNA ligase 1; minus strand). Cytogenetic location: 19q13.33.
Variant type: single nucleotide variant.
Coding change: c.884C>T on transcript NM_000234.3 (MANE Select); coding-DNA position 884, C replaced by T.
Protein change: p.Thr295Met; replaces threonine 295 with methionine.
Molecular consequence: missense variant. On other transcripts: non-coding transcript variant (6).
Genome position (GRCh38, 1-based): chr19:48,143,573, G>A on the plus strand (C>T on the coding strand, the complement: LIG1 is on the minus strand). VCF-style: chr19-48143573-G-A. GRCh37 (hg19) VCF-style: chr19-48646830-G-A.
Other names: c.791C>T, p.Thr264Met (NM_001289063.2); c.680C>T, p.Thr227Met (NM_001289064.2); c.881C>T, p.Thr294Met (NM_001320970.2); c.794C>T, p.Thr265Met (NM_001320971.2); short protein forms T265M, T294M, T227M, T264M, T295M.
Identifiers: ClinVar variation 2080280 (VCV002080280.2), dbSNP rs1203168552, ClinGen allele CA406650601.

ClinVar aggregate classification (germline): Uncertain significance (1 of 4 stars; one submission).

Allele frequency attached by ClinVar (database versions not stated): gnomAD exomes below 0.00001; gnomAD 0.00001.
gnomAD v4.1: 7 of 1,605,428 alleles (0.00044%); highest among the groups gnomAD compares: Middle Eastern, 0.017%; no homozygotes.

Submission:

Labcorp Genetics (formerly Invitae), Labcorp
Classification: Uncertain significance. Last evaluated: 2022-06-01. Review status: criteria provided, single submitter. Criteria: Invitae Variant Classification Sherloc (09022015). Collection method: clinical testing. Allele origin: germline.
Comment: Algorithms developed to predict the effect of missense changes on protein structure and function are either unavailable or do not agree on the potential impact of this missense change (SIFT: "Deleterious"; PolyPhen-2: "Probably Damaging"; Align-GVGD: "Class C0"). In summary, the available evidence is currently insufficient to determine the role of this variant in disease. Therefore, it has been classified as a Variant of Uncertain Significance. This variant has not been reported in the literature in individuals affected with LIG1-related conditions. This variant is present in population databases (no rsID available, gnomAD 0.008%). This sequence change replaces threonine, which is neutral and polar, with methionine, which is neutral and non-polar, at codon 295 of the LIG1 protein (p.Thr295Met).